The following is an entry in ClinVar:

ClinVar aggregate classification (germline): Uncertain significance. Review status: criteria provided, multiple submitters, no conflicts (2 of 4 stars). 2 submissions from 2 submitters: Uncertain significance (2). Last evaluated 2025-02-25.

Conditions:
Arrhythmogenic right ventricular dysplasia 9 (ARVD9). Also called: Arrhythmogenic Right Ventricular Dysplasia/Cardiomyopathy 9; ARRHYTHMOGENIC RIGHT VENTRICULAR DYSPLASIA, FAMILIAL, 9. Identifiers: MedGen C1836906, MONDO:0012180, OMIM 609040.
Cardiovascular phenotype. Identifiers: MedGen CN230736.

Submissions (2):

Labcorp Genetics (formerly Invitae), Labcorp
Classification: Uncertain significance for Arrhythmogenic right ventricular dysplasia 9. Last evaluated: 2025-02-25. Review status: criteria provided, single submitter. Criteria: Invitae Variant Classification Sherloc (09022015). Collection method: clinical testing. Allele origin: germline.
Comment: This sequence change replaces proline, which is neutral and non-polar, with serine, which is neutral and polar, at codon 103 of the PKP2 protein (p.Pro103Ser). This variant is not present in population databases (gnomAD no frequency). This variant has not been reported in the literature in individuals affected with PKP2-related conditions. ClinVar contains an entry for this variant (Variation ID: 1485413). An algorithm developed to predict the effect of missense changes on protein structure and function (PolyPhen-2) suggests that this variant is likely to be tolerated. In summary, the available evidence is currently insufficient to determine the role of this variant in disease. Therefore, it has been classified as a Variant of Uncertain Significance.

Ambry Genetics
Classification: Uncertain significance for Cardiovascular phenotype. Last evaluated: 2023-06-05. Review status: criteria provided, single submitter. Criteria: Ambry Variant Classification Scheme 2023. Collection method: clinical testing. Allele origin: germline.
Comment: The p.P103S variant (also known as c.307C>T), located in coding exon 2 of the PKP2 gene, results from a C to T substitution at nucleotide position 307. The proline at codon 103 is replaced by serine, an amino acid with similar properties. This amino acid position is well conserved in available vertebrate species. In addition, this alteration is predicted to be tolerated by in silico analysis. Since supporting evidence is limited at this time, the clinical significance of this alteration remains unclear.

NM_001005242.3(PKP2):c.307C>T (p.Pro103Ser)

Gene: PKP2 (plakophilin 2; minus strand). Cytogenetic location: 12p11.21.
Variant type: single nucleotide variant.
Coding change: c.307C>T on transcript NM_001005242.3 (MANE Select); coding-DNA position 307, C replaced by T.
Protein change: p.Pro103Ser; replaces proline 103 with serine.
Molecular consequence: missense variant.
Genome position (GRCh38, 1-based): chr12:32,878,949, G>A on the plus strand (C>T on the coding strand, the complement: PKP2 is on the minus strand). VCF-style: chr12-32878949-G-A. GRCh37 (hg19) VCF-style: chr12-33031883-G-A.
Other names: c.307C>T, p.Pro103Ser (NM_004572.4); c.307C>T (NM_004572.3); short protein forms P103S.
Identifiers: ClinVar variation 1485413 (VCV001485413.8), dbSNP rs139215336, ClinGen allele CA384366442.